The following is an entry in ClinVar:

NM_001369.3(DNAH5):c.12033+7A>G

Gene: DNAH5 (dynein axonemal heavy chain 5; minus strand). Cytogenetic location: 5p15.2.
Variant type: single nucleotide variant.
Coding change: c.12033+7A>G on transcript NM_001369.3 (MANE Select); 7 bases into the intron after coding-DNA position 12033, A replaced by G.
Molecular consequence: intron variant.
Genome position (GRCh38, 1-based): chr5:13,727,500, T>C on the plus strand (A>G on the coding strand, the complement: DNAH5 is on the minus strand). VCF-style: chr5-13727500-T-C. GRCh37 (hg19) VCF-style: chr5-13727609-T-C.
Other names: p.?.
Identifiers: ClinVar variation 226591 (VCV000226591.36), dbSNP rs77541151, ClinGen allele CA3201772.

ClinVar aggregate classification (germline): Benign. Review status: criteria provided, multiple submitters, no conflicts (2 of 4 stars). 12 submissions from 12 submitters: Benign (8). 4 of the submissions do not count toward it. Last evaluated 2026-01-31.

Conditions:
Primary ciliary dyskinesia. Also called: Ciliary dyskinesia. Identifiers: Orphanet 244, MedGen C0008780, MONDO:0016575, HP:0012265.
Primary ciliary dyskinesia 3. Identifiers: Orphanet 244, MedGen C1837618, MONDO:0012085, OMIM 608644.

Allele frequency attached by ClinVar (database versions not stated): 1000 Genomes Project 0.02356; TOPMed 0.02439; 1000 Genomes Project 30x 0.02545; ESP Exome Variant Server 0.02545.
gnomAD v4.1: 6,498 of 1,611,672 alleles (0.4%); highest among the groups gnomAD compares: African/African-American, 7.5%; 248 homozygotes.

Submissions (12):

Labcorp Genetics (formerly Invitae), Labcorp
Classification: Benign for Primary ciliary dyskinesia. Last evaluated: 2026-01-31. Review status: criteria provided, single submitter. Criteria: Invitae Variant Classification Sherloc (09022015). Collection method: clinical testing. Allele origin: germline.

ARUP Laboratories, Molecular Genetics and Genomics, ARUP Laboratories
Classification: Benign for Primary ciliary dyskinesia 3. Last evaluated: 2025-02-06. Review status: criteria provided, single submitter. Criteria: ARUP Molecular Germline Variant Investigation Process 2024. Collection method: clinical testing. Allele origin: germline.

Mayo Clinic Laboratories, Mayo Clinic
Classification: Benign. Last evaluated: 2023-12-31. Review status: criteria provided, single submitter. Criteria: ACMG Guidelines, 2015. Collection method: clinical testing. Allele origin: germline. Observed: 5 variant alleles.

GeneDx
Classification: Benign. Last evaluated: 2019-05-28. Review status: criteria provided, single submitter. Criteria: GeneDx Variant Classification Process June 2021. Collection method: clinical testing. Allele origin: germline. Affected: yes.

Illumina Laboratory Services, Illumina
Classification: Benign for Primary ciliary dyskinesia 3. Last evaluated: 2018-01-13. Review status: criteria provided, single submitter. Criteria: ICSL Variant Classification Criteria 13 December 2019. Collection method: clinical testing. Allele origin: germline.
Comment: This variant was observed in the ICSL laboratory as part of a predisposition screen in an ostensibly healthy population. It had not been previously curated by ICSL or reported in the Human Gene Mutation Database (HGMD: prior to June 1st, 2018), and was therefore a candidate for classification through an automated scoring system. Utilizing variant allele frequency, disease prevalence and penetrance estimates, and inheritance mode, an automated score was calculated to assess if this variant is too frequent to cause the disease. Based on the score and internal cut-off values, a variant classified as benign is not then subjected to further curation. The score for this variant resulted in a classification of benign for this disease.

Laboratory for Molecular Medicine, Mass General Brigham Personalized Medicine
Classification: Benign. Last evaluated: 2013-02-21. Review status: criteria provided, single submitter. Criteria: LMM Criteria. Collection method: clinical testing. Allele origin: germline. Observed: 4 variant alleles.
Comment: 12033+7A>G in intron 70 of DNAH5: This variant is not expected to have clinical significance because it is not located within the conserved splice consensus seq uence. It has been identified in 7.5% (330/4404) of African American chromosomes from a broad population by the NHLBI Exome Sequencing Project (dbSNP rs77541151).

Breakthrough Genomics
Classification: Benign. Review status: criteria provided, single submitter. Criteria: ACMG Guidelines, 2015. Collection method: not provided. Allele origin: germline. Inheritance: Autosomal recessive inheritance. Affected: yes.

PreventionGenetics, part of Exact Sciences
Classification: Benign. Review status: criteria provided, single submitter. Criteria: ACMG Guidelines, 2015. Collection method: clinical testing. Allele origin: germline.

Natera, Inc.
Classification: Benign for Primary ciliary dyskinesia. Last evaluated: 2020-09-16. Review status: no assertion criteria provided. Collection method: clinical testing. Allele origin: germline. Not counted in ClinVar's aggregate classification.

Counsyl
Classification: Benign for Primary ciliary dyskinesia 3. Last evaluated: 2016-12-16. Review status: no assertion criteria provided. Collection method: clinical testing. Allele origin: unknown. Not counted in ClinVar's aggregate classification.

Clinical Genetics DNA and cytogenetics Diagnostics Lab, Erasmus MC, Erasmus Medical Center
Classification: Benign. Review status: no assertion criteria provided. Collection method: clinical testing. Allele origin: germline. Affected: yes. Study: VKGL Data-share Consensus. Not counted in ClinVar's aggregate classification.

Laboratory of Diagnostic Genome Analysis, Leiden University Medical Center (LUMC)
Classification: Likely benign. Review status: no assertion criteria provided. Collection method: clinical testing. Allele origin: germline. Affected: yes. Study: VKGL Data-share Consensus. Not counted in ClinVar's aggregate classification.